The following is an entry in ClinVar:

NM_001875.5(CPS1):c.8G>T (p.Arg3Met)

Gene: CPS1 (carbamoyl-phosphate synthase 1; plus strand). Cytogenetic location: 2q34.
Variant type: single nucleotide variant.
Coding change: c.8G>T on transcript NM_001875.5 (MANE Select); coding-DNA position 8, G replaced by T.
Protein change: p.Arg3Met; replaces arginine 3 with methionine.
Molecular consequence: missense variant. On other transcripts: non-coding transcript variant (1).
Genome position (GRCh38, 1-based): chr2:210,556,741, G>T. VCF-style: chr2-210556741-G-T. GRCh37 (hg19) VCF-style: chr2-211421465-G-T.
Other names: c.8G>T, p.Arg3Met (NM_001122633.3, NM_001369257.1); c.41G>T, p.Arg14Met (NM_001369256.1); short protein forms R14M, R3M.
Identifiers: ClinVar variation 1498487 (VCV001498487.5), dbSNP rs750705469, ClinGen allele CA2085924.

ClinVar aggregate classification (germline): Uncertain significance (1 of 4 stars; one submission).

Conditions:
Congenital hyperammonemia, type I. Also called: Carbamoyl phosphate synthetase 1 deficiency; Hyperammonemia due to carbamoyl phosphate synthetase 1 deficiency; CPS 1 deficiency; Carbamyl phosphate synthetase (CPS) deficiency; Carbamoyl-phosphate synthase I deficiency; CPS I DEFICIENCY. Identifiers: Orphanet 147, MedGen C4082171, MONDO:0009376, OMIM 237300.

Allele frequency attached by ClinVar (database versions not stated): gnomAD 0.00001; gnomAD exomes 0.00001; ExAC 0.00002.
gnomAD v4.1: 6 of 1,612,342 alleles (0.00037%); highest among the groups gnomAD compares: Admixed American, 0.0084%; no homozygotes.

Submission:

Labcorp Genetics (formerly Invitae), Labcorp
Classification: Uncertain significance for Congenital hyperammonemia, type I. Last evaluated: 2024-04-17. Review status: criteria provided, single submitter. Criteria: Invitae Variant Classification Sherloc (09022015). Collection method: clinical testing. Allele origin: germline.
Comment: This sequence change replaces arginine, which is basic and polar, with methionine, which is neutral and non-polar, at codon 3 of the CPS1 protein (p.Arg3Met). This variant is present in population databases (rs750705469, gnomAD 0.009%). This variant has not been reported in the literature in individuals affected with CPS1-related conditions. ClinVar contains an entry for this variant (Variation ID: 1498487). Advanced modeling of protein sequence and biophysical properties (such as structural, functional, and spatial information, amino acid conservation, physicochemical variation, residue mobility, and thermodynamic stability) has been performed at Invitae for this missense variant, however the output from this modeling did not meet the statistical confidence thresholds required to predict the impact of this variant on CPS1 protein function. In summary, the available evidence is currently insufficient to determine the role of this variant in disease. Therefore, it has been classified as a Variant of Uncertain Significance.